The following is an entry in ClinVar:

NM_001365951.3(KIF1B):c.5270_5278del (p.Asp1757_Gln1759del)

Gene: KIF1B (kinesin family member 1B; plus strand). Cytogenetic location: 1p36.22.
Variant type: Deletion.
Coding change: c.5270_5278del on transcript NM_001365951.3 (MANE Select); coding-DNA positions 5270 to 5278, 9 bases deleted (ACCAGCAGG; older notation c.5270_5278delACCAGCAGG).
Protein change: p.Asp1757_Gln1759del.
Molecular consequence: inframe deletion.
Genome position (GRCh38, 1-based): chr1:10,375,027-10,375,035, ACCAGCAGG deleted; deleting any 9 consecutive bases within chr1:10,375,024-10,375,035 gives the same sequence; the c. name uses the placement nearest the transcript's 3' end. VCF-style (leftmost placement, unchanged base first): chr1-10375023-GAGGACCAGC-G. GRCh37 (hg19) VCF-style: chr1-10435081-GAGGACCAGC-G.
Other names: c.5270_5278del, p.Asp1757_Gln1759del (NM_001365952.1); c.5132_5140del, p.Asp1711_Gln1713del (NM_015074.3); c.5132_5140delACCAGCAGG (NM_015074.3).
Identifiers: ClinVar variation 2624429 (VCV002624429.2), dbSNP rs2521983693, ClinGen allele CA2582341891.
Genomic context (GRCh38, chr1:10,375,023, plus strand): 5'-GACAAAGACCCTGTGGAGCGTGGAATCATTAACCTGTCCACAGCACAGGTGGAGTACAGT[GAGGACCAGC>G]AGGCCATGGTGAAGGTCCGTCCTGCCCTGCCTTGGTTTCTTATTGCCACGTGTGCCCTTC-3'

ClinVar aggregate classification (germline): Uncertain significance (1 of 4 stars; one submission).

Submission:

Ambry Genetics
Classification: Uncertain significance. Last evaluated: 2023-06-20. Review status: criteria provided, single submitter. Criteria: Ambry Variant Classification Scheme 2023. Collection method: clinical testing. Allele origin: germline.
Comment: The c.5132_5140delACCAGCAGG variant (also known as p.D1711_Q1713del) is located in coding exon 44 of the KIF1B gene. This variant results from an in-frame ACCAGCAGG deletion at nucleotide positions 5132 to 5140. This results in the in-frame deletion of a three amino acids (DQQ) at codons 1711 to 1713. This amino acid region is well conserved in available vertebrate species. The evidence for this gene-disease relationship is limited; therefore, the clinical significance of this alteration is unclear.